The following is an entry in ClinVar:

ClinVar aggregate classification (germline): Conflicting classifications of pathogenicity. Review status: criteria provided, conflicting classifications (1 of 4 stars). 2 submissions from 2 submitters: Uncertain significance (1); Likely benign (1). Last evaluated 2026-04-01.

Conditions:
Kufor-Rakeb syndrome (KRS). Also called: PARKINSON DISEASE 9, AUTOSOMAL RECESSIVE, JUVENILE-ONSET. Identifiers: Orphanet 306674, Orphanet 314632, MedGen C1847640, MONDO:0011706, OMIM 606693.

Allele frequency attached by ClinVar (database versions not stated): gnomAD 0.00001; gnomAD exomes 0.00001; TOPMed 0.00003.
gnomAD v4.1: 9 of 1,472,480 alleles (0.00061%); highest among the groups gnomAD compares: Non-Finnish European, 0.00081%; no homozygotes.

Submissions (2):

CeGaT Center for Human Genetics Tuebingen
Classification: Likely benign. Last evaluated: 2026-04-01. Review status: criteria provided, single submitter. Criteria: CeGaT Center For Human Genetics Tuebingen Variant Classification Criteria Version 2. Collection method: clinical testing. Allele origin: germline. Affected: yes. Observed: 1 variant allele.
Comment: ATP13A2: BP4, BP7

Illumina Laboratory Services, Illumina
Classification: Uncertain significance for Kufor-Rakeb syndrome. Last evaluated: 2018-01-12. Review status: criteria provided, single submitter. Criteria: ICSL Variant Classification Criteria 13 December 2019. Collection method: clinical testing. Allele origin: germline.

NM_022089.4(ATP13A2):c.*182C>T

Gene: ATP13A2 (ATPase cation transporting 13A2; minus strand). Cytogenetic location: 1p36.13.
Variant type: single nucleotide variant.
Coding change: c.*182C>T on transcript NM_022089.4 (MANE Select); 182 bases downstream of the stop codon, C replaced by T.
Molecular consequence: 3 prime UTR variant. On other transcripts: synonymous variant (1).
Genome position (GRCh38, 1-based): chr1:16,986,039, G>A on the plus strand (C>T on the coding strand, the complement: ATP13A2 is on the minus strand). VCF-style: chr1-16986039-G-A. GRCh37 (hg19) VCF-style: chr1-17312534-G-A.
Other names: c.*182C>T (NM_001141973.3); c.3423C>T, p.Thr1141= (NM_001141974.3).
Identifiers: ClinVar variation 876292 (VCV000876292.6), dbSNP rs970274162, ClinGen allele CA18624260.